The following is an entry in ClinVar:

NM_001035.3(RYR2):c.3107C>T (p.Thr1036Ile)

Gene: RYR2 (ryanodine receptor 2; plus strand). Cytogenetic location: 1q43.
Variant type: single nucleotide variant.
Coding change: c.3107C>T on transcript NM_001035.3 (MANE Select); coding-DNA position 3107, C replaced by T.
Protein change: p.Thr1036Ile; replaces threonine 1036 with isoleucine.
Molecular consequence: missense variant.
Genome position (GRCh38, 1-based): chr1:237,550,584, C>T. VCF-style: chr1-237550584-C-T. GRCh37 (hg19) VCF-style: chr1-237713884-C-T.
Other names: short protein forms T1036I.
Identifiers: ClinVar variation 2912761 (VCV002912761.3), dbSNP rs772963051, ClinGen allele CA39811611.

ClinVar aggregate classification (germline): Uncertain significance (1 of 4 stars; one submission).

Conditions:
Catecholaminergic polymorphic ventricular tachycardia 1. Also called: VENTRICULAR TACHYCARDIA, CATECHOLAMINERGIC POLYMORPHIC, 1, WITH OR WITHOUT ATRIAL DYSFUNCTION AND/OR DILATED CARDIOMYOPATHY; VENTRICULAR TACHYCARDIA, STRESS-INDUCED POLYMORPHIC 1; RYR2-Related Catecholaminergic Polymorphic Ventricular Tachycardia. Identifiers: Orphanet 3286, MedGen C1631597, MONDO:0011484, OMIM 604772.

Submission:

Labcorp Genetics (formerly Invitae), Labcorp
Classification: Uncertain significance for Catecholaminergic polymorphic ventricular tachycardia 1. Last evaluated: 2023-08-27. Review status: criteria provided, single submitter. Criteria: Invitae Variant Classification Sherloc (09022015). Collection method: clinical testing. Allele origin: germline.
Comment: In summary, the available evidence is currently insufficient to determine the role of this variant in disease. Therefore, it has been classified as a Variant of Uncertain Significance. This sequence change replaces threonine, which is neutral and polar, with isoleucine, which is neutral and non-polar, at codon 1036 of the RYR2 protein (p.Thr1036Ile). This variant is not present in population databases (gnomAD no frequency). This variant has not been reported in the literature in individuals affected with RYR2-related conditions. Advanced modeling of protein sequence and biophysical properties (such as structural, functional, and spatial information, amino acid conservation, physicochemical variation, residue mobility, and thermodynamic stability) performed at Invitae indicates that this missense variant is not expected to disrupt RYR2 protein function.